The following is an entry in ClinVar:

ClinVar aggregate classification (germline): Uncertain significance (1 of 4 stars; one submission).

Submission:

Labcorp Genetics (formerly Invitae), Labcorp
Classification: Uncertain significance. Last evaluated: 2022-06-07. Review status: criteria provided, single submitter. Criteria: Invitae Variant Classification Sherloc (09022015). Collection method: clinical testing. Allele origin: germline.
Comment: Variants that disrupt the consensus splice site are a relatively common cause of aberrant splicing (PMID: 17576681, 9536098). Algorithms developed to predict the effect of sequence changes on RNA splicing suggest that this variant is not likely to affect RNA splicing. In summary, the available evidence is currently insufficient to determine the role of this variant in disease. Therefore, it has been classified as a Variant of Uncertain Significance. This sequence change falls in intron 14 of the CDH3 gene. It does not directly change the encoded amino acid sequence of the CDH3 protein. It affects a nucleotide within the consensus splice site. This variant is not present in population databases (gnomAD no frequency). This variant has not been reported in the literature in individuals affected with CDH3-related conditions.

Literature cited by the submitters: PubMed 17576681; PubMed 9536098.

NM_001793.6(CDH3):c.2133+6G>T

Gene: CDH3 (cadherin 3; plus strand). Cytogenetic location: 16q22.1.
Variant type: single nucleotide variant.
Coding change: c.2133+6G>T on transcript NM_001793.6 (MANE Select); 6 bases into the intron after coding-DNA position 2133, G replaced by T.
Molecular consequence: intron variant.
Genome position (GRCh38, 1-based): chr16:68,695,391, G>T. VCF-style: chr16-68695391-G-T. GRCh37 (hg19) VCF-style: chr16-68729294-G-T.
Other names: c.1968+6G>T (NM_001317196.2); c.2133+6G>T (NM_001317195.3).
Identifiers: ClinVar variation 2002600 (VCV002002600.4), dbSNP rs2543766596, ClinGen allele CA2580091825.
Genomic context (GRCh38, chr16:68,695,391, plus strand): 5'-CACCCGTGACAACGTCTTCTACTATGGCGAAGAGGGGGGTGGCGAAGAGGACCAGGTGGG[G>T]CACTGGGGGCTCTGGGATTGGGAGGTGGATGCCCCTAAGGCCACTGGCAGGGCTGTTGGG-3'